The following is an entry in ClinVar:

ClinVar aggregate classification (germline): Uncertain significance. Review status: criteria provided, multiple submitters, no conflicts (2 of 4 stars). 6 submissions from 6 submitters: Uncertain significance (6). Last evaluated 2026-08-29.

Conditions:
Arrhythmogenic cardiomyopathy with wooly hair and keratoderma. Also called: Arrhythmogenic cardiomyopathy with woolly hair and keratoderma; PALMOPLANTAR KERATODERMA WITH LEFT VENTRICULAR CARDIOMYOPATHY AND WOOLLY HAIR; Dilated cardiomyopathy with woolly hair and keratoderma; Carvajal syndrome. Identifiers: Orphanet 65282, MedGen C1854063, MONDO:0011581, OMIM 605676.
Arrhythmogenic right ventricular dysplasia 8 (ARVD8). Also called: Arrhythmogenic Right Ventricular Dysplasia/Cardiomyopathy 8; ARRHYTHMOGENIC RIGHT VENTRICULAR DYSPLASIA, FAMILIAL, 8; ARRHYTHMOGENIC RIGHT VENTRICULAR CARDIOMYOPATHY 8. Identifiers: MedGen C1843896, MONDO:0011831, OMIM 607450.
Cardiovascular phenotype. Identifiers: MedGen CN230736.
Cardiomyopathy (CMYO). Also called: Cardiomyopathies. Identifiers: Orphanet 167848, MedGen C0878544, MONDO:0004994, HP:0001638. Inheritance: Various modes of inheritance.

Submissions (6):

GeneDx
Classification: Uncertain significance. Last evaluated: 2026-08-29. Review status: criteria provided, single submitter. Criteria: GeneDx Variant Classification Process June 2021. Collection method: clinical testing. Allele origin: germline.
Comment: Has not been previously published as pathogenic or benign to our knowledge; Not observed at significant frequency in large population cohorts (gnomAD); In-frame duplication of 1 amino acid(s) in a non-repeat region

Labcorp Genetics (formerly Invitae), Labcorp
Classification: Uncertain significance for Arrhythmogenic cardiomyopathy with wooly hair and keratoderma; Arrhythmogenic right ventricular dysplasia 8. Last evaluated: 2025-12-01. Review status: criteria provided, single submitter. Criteria: Invitae Variant Classification Sherloc (09022015). Collection method: clinical testing. Allele origin: germline.
Comment: This variant, c.3687_3689dup, results in the insertion of 1 amino acid(s) of the DSP protein (p.Glu1229dup), but otherwise preserves the integrity of the reading frame. This variant is present in population databases (no rsID available, gnomAD 0.003%). This variant has not been reported in the literature in individuals affected with DSP-related conditions. ClinVar contains an entry for this variant (Variation ID: 857224). Experimental studies and prediction algorithms are not available or were not evaluated, and the functional significance of this variant is currently unknown. In summary, the available evidence is currently insufficient to determine the role of this variant in disease. Therefore, it has been classified as a Variant of Uncertain Significance.

Ambry Genetics
Classification: Uncertain significance for Cardiovascular phenotype. Last evaluated: 2025-10-21. Review status: criteria provided, single submitter. Criteria: Ambry Variant Classification Scheme 2023. Collection method: clinical testing. Allele origin: germline.
Comment: The c.3687_3689dupGGA variant (also known as p.E1229dup), located in coding exon 23 of the DSP gene, results from an in-frame duplication of GGA at nucleotide positions 3687 to 3689. This results in the duplication of an extra residue between codons 1229 and 1230. This amino acid position is well conserved in available vertebrate species. In addition, this variant is predicted to be neutral by in silico analysis (Choi Y et al. PLoS ONE. 2012; 7(10):e46688). Based on the available evidence, the clinical significance of this variant remains unclear.

Color Diagnostics, LLC DBA Color Health
Classification: Uncertain significance for Cardiomyopathy. Last evaluated: 2025-09-15. Review status: criteria provided, single submitter. Criteria: ACMG Guidelines, 2015. Collection method: clinical testing. Allele origin: germline.
Comment: This variant causes a duplication of glutamate at codon 1229 of the DSP protein. To our knowledge, functional studies have not been reported for this variant. This variant has not been reported in individuals affected with DSP-related disorders in the literature. This variant has been identified in 3/250962 chromosomes in the general population by the Genome Aggregation Database (gnomAD). The available evidence is insufficient to determine the role of this variant in disease conclusively. Therefore, this variant is classified as a Variant of Uncertain Significance.

AiLife Diagnostics
Classification: Uncertain significance. Last evaluated: 2021-12-26. Review status: criteria provided, single submitter. Criteria: ACMG Guidelines, 2015. Collection method: clinical testing. Allele origin: germline. Affected: yes. Observed: 1 variant allele.

Women's Health and Genetics/Laboratory Corporation of America, LabCorp
Classification: Uncertain significance. Last evaluated: 2020-12-29. Review status: criteria provided, single submitter. Criteria: LabCorp Variant Classification Summary - May 2015. Collection method: clinical testing. Allele origin: germline.
Comment: Variant summary: DSP c.3687_3689dupGGA (p.Glu1229dup) results in an in-frame duplication that is predicted to duplicate one amino acid into the encoded protein. The variant allele was found at a frequency of 1.2e-05 in 250962 control chromosomes. The available data on variant occurrences in the general population are insufficient to allow any conclusion about variant significance. To our knowledge, no occurrence of c.3687_3689dupGGA in individuals affected with Arrhythmogenic Right Ventricular Dysplasia/Cardiomyopathy and no experimental evidence demonstrating its impact on protein function have been reported. One clinical diagnostic laboratory has submitted clinical-significance assessments for this variant to ClinVar after 2014 without evidence for independent evaluation and classified the variant as uncertain significance. Based on the evidence outlined above, the variant was classified as uncertain significance.

NM_004415.4(DSP):c.3687_3689dup (p.Glu1229dup)

Gene: DSP (desmoplakin; plus strand). Cytogenetic location: 6p24.3.
Variant type: Duplication.
Coding change: c.3687_3689dup on transcript NM_004415.4 (MANE Select); coding-DNA positions 3687 to 3689, 3 bases duplicated (GGA; older notation c.3687_3689dupGGA).
Protein change: p.Glu1229dup; duplicates glutamic acid 1229.
Molecular consequence: inframe insertion. On other transcripts: intron variant (1).
Genome position (GRCh38, 1-based): chr6:7,579,877-7,579,879, GGA duplicated; duplicating any 3 consecutive bases within chr6:7,579,875-7,579,879 gives the same sequence; the c. name uses the placement nearest the transcript's 3' end. VCF-style (leftmost placement, unchanged base first): chr6-7579874-A-AGAG. GRCh37 (hg19) VCF-style: chr6-7580107-A-AGAG.
Other names: c.3687_3689dup, p.Glu1229dup (NM_001319034.2); c.3582+105_3582+107dup (NM_001008844.3); c.3687_3689dupGGA (NM_004415.2).
Identifiers: ClinVar variation 857224 (VCV000857224.17), dbSNP rs1561697838, ClinGen allele CA565358125.